The following is an entry in ClinVar:

NM_198407.2(GHSR):c.209G>T (p.Arg70Leu)

Gene: GHSR (growth hormone secretagogue receptor; minus strand). Cytogenetic location: 3q26.31.
Variant type: single nucleotide variant.
Coding change: c.209G>T on transcript NM_198407.2 (MANE Select); coding-DNA position 209, G replaced by T.
Protein change: p.Arg70Leu; replaces arginine 70 with leucine.
Molecular consequence: missense variant.
Genome position (GRCh38, 1-based): chr3:172,448,205, C>A on the plus strand (G>T on the coding strand, the complement: GHSR is on the minus strand). VCF-style: chr3-172448205-C-A. GRCh37 (hg19) VCF-style: chr3-172165995-C-A.
Other names: c.209G>T, p.Arg70Leu (NM_004122.2); short protein forms R70L.
Identifiers: ClinVar variation 2765900 (VCV002765900.3), dbSNP rs1175921798, ClinGen allele CA355516117.
Genomic context (GRCh38, chr3:172,448,205, plus strand): 5'-AGATCGGAGAAGGCCATGCTGGACAGGTAGAGGTTGGTGGTGGTGCGCAGCTCGCGGAAG[C>A]GCGACACCACCAGCATGGTGAGCAGGTTGCCAGCGATGCCCACCACGAAGAGTGCCACGC-3'
Protein context (NP_940799.1, residues 60-80): GNLLTMLVVS[Arg70Leu]FRELRTTTNL

ClinVar aggregate classification (germline): Uncertain significance (1 of 4 stars; one submission).

Submission:

Labcorp Genetics (formerly Invitae), Labcorp
Classification: Uncertain significance. Last evaluated: 2023-11-24. Review status: criteria provided, single submitter. Criteria: Invitae Variant Classification Sherloc (09022015). Collection method: clinical testing. Allele origin: germline.
Comment: This sequence change replaces arginine, which is basic and polar, with leucine, which is neutral and non-polar, at codon 70 of the GHSR protein (p.Arg70Leu). This variant is not present in population databases (gnomAD no frequency). This variant has not been reported in the literature in individuals affected with GHSR-related conditions. Advanced modeling of protein sequence and biophysical properties (such as structural, functional, and spatial information, amino acid conservation, physicochemical variation, residue mobility, and thermodynamic stability) performed at Invitae indicates that this missense variant is not expected to disrupt GHSR protein function with a negative predictive value of 80%. In summary, the available evidence is currently insufficient to determine the role of this variant in disease. Therefore, it has been classified as a Variant of Uncertain Significance.